The following is an entry in ClinVar:

ClinVar aggregate classification (germline): Likely benign. Review status: criteria provided, multiple submitters, no conflicts (2 of 4 stars). 4 submissions from 4 submitters: Likely benign (4). Last evaluated 2026-02-02.

Allele frequency attached by ClinVar (database versions not stated): gnomAD 0.00001; TOPMed 0.00002; gnomAD exomes 0.00004 and 0.00006; ExAC 0.00008; ESP Exome Variant Server 0.00008.

Submissions (4):

Labcorp Genetics (formerly Invitae), Labcorp
Classification: Likely benign. Last evaluated: 2026-02-02. Review status: criteria provided, single submitter. Criteria: Invitae Variant Classification Sherloc (09022015). Collection method: clinical testing. Allele origin: germline.

Center for Genomic Medicine, Rigshospitalet, Copenhagen University Hospital
Classification: Likely benign. Last evaluated: 2025-12-29. Review status: criteria provided, single submitter. Criteria: ACMG Guidelines, 2015. Collection method: clinical testing. Allele origin: germline.
Comment: Classification criteria: BP4

Blueprint Genetics
Classification: Likely benign. Last evaluated: 2024-11-19. Review status: criteria provided, single submitter. Criteria: ACMG Guidelines, 2015. Collection method: clinical testing. Allele origin: germline.

GeneDx
Classification: Likely benign. Last evaluated: 2017-10-05. Review status: criteria provided, single submitter. Criteria: GeneDx Variant Classification (06012015). Collection method: clinical testing. Allele origin: germline. Affected: yes.
Comment: This variant is considered likely benign or benign based on one or more of the following criteria: it is a conservative change, it occurs at a poorly conserved position in the protein, it is predicted to be benign by multiple in silico algorithms, and/or has population frequency not consistent with disease.

NM_006231.4(POLE):c.4551+20T>C

Gene: POLE (DNA polymerase epsilon, catalytic subunit; minus strand). Cytogenetic location: 12q24.33.
Variant type: single nucleotide variant.
Coding change: c.4551+20T>C on transcript NM_006231.4 (MANE Select); 20 bases into the intron after coding-DNA position 4551, T replaced by C.
Molecular consequence: intron variant.
Genome position (GRCh38, 1-based): chr12:132,643,204, A>G on the plus strand (T>C on the coding strand, the complement: POLE is on the minus strand). VCF-style: chr12-132643204-A-G. GRCh37 (hg19) VCF-style: chr12-133219790-A-G.
Identifiers: ClinVar variation 512445 (VCV000512445.10), dbSNP rs377147295, ClinGen allele CA6892805.
Genomic context (GRCh38, chr12:132,643,204, plus strand): 5'-GCCTGGGCACCCTGGGAGATGTCCTCCTTCCCCAAACCCTGCCCCAGCCAATGTGCTGCC[A>G]TGGAGGGCCCAGGACTCACAGTGTCCAGCACAAAGACGGATGCCCTGCGCTGTGAGGGGA-3'